The following is an entry in ClinVar:

ClinVar aggregate classification (germline): Uncertain significance (1 of 4 stars; one submission).

Submission:

Ambry Genetics
Classification: Uncertain significance. Last evaluated: 2025-07-24. Review status: criteria provided, single submitter. Criteria: Ambry Variant Classification Scheme 2023. Collection method: clinical testing. Allele origin: germline.
Comment: The p.A1218T variant (also known as c.3652G>A), located in coding exon 29 of the A2ML1 gene, results from a G to A substitution at nucleotide position 3652. The alanine at codon 1218 is replaced by threonine, an amino acid with similar properties. This amino acid position is conserved. In addition, this alteration is predicted to be tolerated by in silico analysis. Based on the available evidence, the clinical significance of this variant remains unclear.

NM_144670.6(A2ML1):c.3652G>A (p.Ala1218Thr)

Gene: A2ML1 (alpha-2-macroglobulin like 1; plus strand). Cytogenetic location: 12p13.31.
Variant type: single nucleotide variant.
Coding change: c.3652G>A on transcript NM_144670.6 (MANE Select); coding-DNA position 3652, G replaced by A.
Protein change: p.Ala1218Thr; replaces alanine 1218 with threonine.
Molecular consequence: missense variant.
Genome position (GRCh38, 1-based): chr12:8,863,943, G>A. VCF-style: chr12-8863943-G-A. GRCh37 (hg19) VCF-style: chr12-9016539-G-A.
Other names: c.2179G>A, p.Ala727Thr (NM_001282424.3); short protein forms A1218T, A727T.
Identifiers: ClinVar variation 4256643 (VCV004256643.1).